The following is an entry in ClinVar:

ClinVar aggregate classification (germline): Uncertain significance (1 of 4 stars; one submission).

gnomAD v4.1: 2 of 1,614,242 alleles (0.00012%); highest among the groups gnomAD compares: Non-Finnish European, 0.00017%; no homozygotes.

Submission:

Labcorp Genetics (formerly Invitae), Labcorp
Classification: Uncertain significance. Last evaluated: 2022-10-05. Review status: criteria provided, single submitter. Criteria: Invitae Variant Classification Sherloc (09022015). Collection method: clinical testing. Allele origin: germline.
Comment: In summary, the available evidence is currently insufficient to determine the role of this variant in disease. Therefore, it has been classified as a Variant of Uncertain Significance. Advanced modeling of protein sequence and biophysical properties (such as structural, functional, and spatial information, amino acid conservation, physicochemical variation, residue mobility, and thermodynamic stability) performed at Invitae indicates that this missense variant is expected to disrupt NEFH protein function. This variant has not been reported in the literature in individuals affected with NEFH-related conditions. This variant is not present in population databases (gnomAD no frequency). This sequence change replaces aspartic acid, which is acidic and polar, with tyrosine, which is neutral and polar, at codon 396 of the NEFH protein (p.Asp396Tyr).

NM_021076.4(NEFH):c.1186G>T (p.Asp396Tyr)

Gene: NEFH (neurofilament heavy chain; plus strand). Cytogenetic location: 22q12.2.
Variant type: single nucleotide variant.
Coding change: c.1186G>T on transcript NM_021076.4 (MANE Select); coding-DNA position 1186, G replaced by T.
Protein change: p.Asp396Tyr; replaces aspartic acid 396 with tyrosine.
Molecular consequence: missense variant.
Genome position (GRCh38, 1-based): chr22:29,485,825, G>T. VCF-style: chr22-29485825-G-T. GRCh37 (hg19) VCF-style: chr22-29881814-G-T.
Other names: short protein forms D396Y.
Identifiers: ClinVar variation 1945392 (VCV001945392.5), dbSNP rs2517974043, ClinGen allele CA411127228.
Genomic context (GRCh38, chr22:29,485,825, plus strand): 5'-TGGGAGATGGCCGCCCAGCTGCGAGAATACCAGGACCTGCTCAATGTCAAGATGGCTCTG[G>T]ATATAGAGATAGCCGCTTACAGGTGAGACGCACAGGGGCTGTCACATGGTGAAGAAAGCT-3'
Protein context (NP_066554.2, residues 386-406): QDLLNVKMAL[Asp396Tyr]IEIAAYRKLL